The following is an entry in ClinVar:

ClinVar aggregate classification (germline): Conflicting classifications of pathogenicity. Review status: criteria provided, conflicting classifications (1 of 4 stars). 3 submissions from 3 submitters: Uncertain significance (1); Likely benign (2). Last evaluated 2026-04-01.

Conditions:
Inborn genetic diseases. Identifiers: MedGen C0950123, MeSH D030342.

Submissions (3):

CeGaT Center for Human Genetics Tuebingen
Classification: Likely benign. Last evaluated: 2026-04-01. Review status: criteria provided, single submitter. Criteria: CeGaT Center For Human Genetics Tuebingen Variant Classification Criteria Version 2. Collection method: clinical testing. Allele origin: germline. Affected: yes. Observed: 2 variant alleles.
Comment: DEAF1: PM4, BS2

Labcorp Genetics (formerly Invitae), Labcorp
Classification: Uncertain significance. Last evaluated: 2026-01-13. Review status: criteria provided, single submitter. Criteria: Invitae Variant Classification Sherloc (09022015). Collection method: clinical testing. Allele origin: germline.
Comment: This variant, c.71_100del, results in the deletion of 10 amino acid(s) of the DEAF1 protein (p.Ala24_Ala33del), but otherwise preserves the integrity of the reading frame. The frequency data for this variant in the population databases is considered unreliable, as metrics indicate poor data quality at this position in the gnomAD database. This variant has not been reported in the literature in individuals affected with DEAF1-related conditions. ClinVar contains an entry for this variant (Variation ID: 1354231). Experimental studies and prediction algorithms are not available or were not evaluated, and the functional significance of this variant is currently unknown. In summary, the available evidence is currently insufficient to determine the role of this variant in disease. Therefore, it has been classified as a Variant of Uncertain Significance.

Ambry Genetics
Classification: Likely benign for Inborn genetic diseases. Last evaluated: 2022-01-27. Review status: criteria provided, single submitter. Criteria: Ambry Variant Classification Scheme 2023. Collection method: clinical testing. Allele origin: germline.

NM_021008.4(DEAF1):c.71_100del (p.Ala24_Ala33del)

Gene: DEAF1 (DEAF1 transcription factor; minus strand). Cytogenetic location: 11p15.5.
Variant type: Deletion.
Coding change: c.71_100del on transcript NM_021008.4 (MANE Select); coding-DNA positions 71 to 100, 30 bases deleted (CTGTGGCGGCGGCGGCCGCGGCCGCGGCAG).
Protein change: p.Ala24_Ala33del.
Molecular consequence: inframe deletion. On other transcripts: inframe indel (1), intron variant (1).
Genome position (GRCh38, 1-based): chr11:694,948-694,977, CTGCCGCGGCCGCGGCCGCCGCCGCCACAG deleted on the plus strand (CTGTGGCGGCGGCGGCCGCGGCCGCGGCAG on the coding strand, the reverse complement: DEAF1 is on the minus strand); deleting any 30 consecutive bases within chr11:694,948-694,978 gives the same sequence; the c. name uses the placement nearest the transcript's 3' end. VCF-style (leftmost placement, unchanged base first): chr11-694947-CCTGCCGCGGCCGCGGCCGCCGCCGCCACAG-C. GRCh37 (hg19) VCF-style: chr11-694947-CCTGCCGCGGCCGCGGCCGCCGCCGCCACAG-C.
Other names: c.70_99del30, p.Ala24_Ala33del (NM_001293634.2); c.-437-3379_-437-3350del (NM_001367390.1).
Identifiers: ClinVar variation 1354231 (VCV001354231.9), dbSNP rs761172741, ClinGen allele CA5786657.